The following is an entry in ClinVar:

ClinVar aggregate classification (germline): Uncertain significance. Review status: criteria provided, single submitter (1 of 4 stars). 2 submissions from 2 submitters: Uncertain significance (1). 1 of the submissions does not count toward it. Last evaluated 2022-03-19.

Conditions:
Nemaline myopathy 2 (NEM2). Also called: Nemaline myopathy 2, autosomal recessive. Identifiers: MedGen C1850569, MONDO:0009725, OMIM 256030.

Allele frequency attached by ClinVar (database versions not stated): TOPMed 0.00001.

Submissions (2):

Labcorp Genetics (formerly Invitae), Labcorp
Classification: Uncertain significance for Nemaline myopathy 2. Last evaluated: 2022-03-19. Review status: criteria provided, single submitter. Criteria: Invitae Variant Classification Sherloc (09022015). Collection method: clinical testing. Allele origin: germline.
Comment: This sequence change replaces lysine, which is basic and polar, with glutamic acid, which is acidic and polar, at codon 388 of the NEB protein (p.Lys388Glu). This variant is not present in population databases (gnomAD no frequency). This variant has not been reported in the literature in individuals affected with NEB-related conditions. ClinVar contains an entry for this variant (Variation ID: 534009). Algorithms developed to predict the effect of missense changes on protein structure and function are either unavailable or do not agree on the potential impact of this missense change (SIFT: "Deleterious"; PolyPhen-2: "Not Available"; Align-GVGD: "Class C0"). In summary, the available evidence is currently insufficient to determine the role of this variant in disease. Therefore, it has been classified as a Variant of Uncertain Significance.

Natera, Inc.
Classification: Uncertain significance for Nemaline myopathy type 2. Last evaluated: 2020-11-24. Review status: no assertion criteria provided. Collection method: clinical testing. Allele origin: germline. Not counted in ClinVar's aggregate classification.

NM_001164508.2(NEB):c.1162A>G (p.Lys388Glu)

Gene: NEB (nebulin; minus strand). Cytogenetic location: 2q23.3.
Variant type: single nucleotide variant.
Coding change: c.1162A>G on transcript NM_001164508.2 (MANE Select); coding-DNA position 1162, A replaced by G.
Protein change: p.Lys388Glu; replaces lysine 388 with glutamic acid.
Molecular consequence: missense variant.
Genome position (GRCh38, 1-based): chr2:151,697,639, T>C on the plus strand (A>G on the coding strand, the complement: NEB is on the minus strand). VCF-style: chr2-151697639-T-C. GRCh37 (hg19) VCF-style: chr2-152554153-T-C.
Other names: c.1162A>G, p.Lys388Glu (NM_001164507.2, NM_001271208.2, NM_004543.5); short protein forms K388E.
Identifiers: ClinVar variation 534009 (VCV000534009.9), dbSNP rs1159204491, ClinGen allele CA348826022.